The following is an entry in ClinVar:

NM_000283.4(PDE6B):c.1375G>A (p.Asp459Asn)

Gene: PDE6B (phosphodiesterase 6B; plus strand). Cytogenetic location: 4p16.3.
Variant type: single nucleotide variant.
Coding change: c.1375G>A on transcript NM_000283.4 (MANE Select); coding-DNA position 1375, G replaced by A.
Protein change: p.Asp459Asn; replaces aspartic acid 459 with asparagine.
Molecular consequence: missense variant.
Genome position (GRCh38, 1-based): chr4:657,468, G>A. VCF-style: chr4-657468-G-A. GRCh37 (hg19) VCF-style: chr4-651257-G-A.
Other names: c.1375G>A, p.Asp459Asn (NM_001145291.2); c.538G>A, p.Asp180Asn (NM_001145292.2, NM_001350154.3, NM_001379246.1 and 1 more transcripts); c.220G>A, p.Asp74Asn (NM_001350155.3); short protein forms D74N, D180N, D459N.
Identifiers: ClinVar variation 1467910 (VCV001467910.9), dbSNP rs368069770, ClinGen allele CA2794466.

ClinVar aggregate classification (germline): Uncertain significance. Review status: criteria provided, multiple submitters, no conflicts (2 of 4 stars). 2 submissions from 2 submitters: Uncertain significance (2). Last evaluated 2023-11-27.

Allele frequency attached by ClinVar (database versions not stated): ExAC 0.00001; gnomAD 0.00002 and 0.00005; gnomAD exomes 0.00002; TOPMed 0.00005.
gnomAD v4.1: 34 of 1,613,326 alleles (0.0021%); highest among the groups gnomAD compares: African/African-American, 0.0093%; no homozygotes.

Submissions (2):

Labcorp Genetics (formerly Invitae), Labcorp
Classification: Uncertain significance. Last evaluated: 2023-11-27. Review status: criteria provided, single submitter. Criteria: Invitae Variant Classification Sherloc (09022015). Collection method: clinical testing. Allele origin: germline.
Comment: This sequence change replaces aspartic acid, which is acidic and polar, with asparagine, which is neutral and polar, at codon 459 of the PDE6B protein (p.Asp459Asn). This variant is present in population databases (rs368069770, gnomAD 0.007%). This missense change has been observed in individual(s) with Bardet Biedl Syndrome (PMID: 35886001). ClinVar contains an entry for this variant (Variation ID: 1467910). Advanced modeling of protein sequence and biophysical properties (such as structural, functional, and spatial information, amino acid conservation, physicochemical variation, residue mobility, and thermodynamic stability) performed at Invitae indicates that this missense variant is not expected to disrupt PDE6B protein function with a negative predictive value of 95%. In summary, the available evidence is currently insufficient to determine the role of this variant in disease. Therefore, it has been classified as a Variant of Uncertain Significance.

Blueprint Genetics
Classification: Uncertain significance. Last evaluated: 2022-06-13. Review status: criteria provided, single submitter. Criteria: ACMG Guidelines, 2015. Collection method: clinical testing. Allele origin: germline.

Literature cited by the submitters: PubMed 35886001 (cited by Labcorp Genetics (formerly Invitae), Labcorp).